The following is an entry in ClinVar:

NM_001242896.3(DEPDC5):c.4605C>G (p.Asn1535Lys)

Gene: DEPDC5 (DEP domain containing 5, GATOR1 subcomplex subunit; plus strand). Cytogenetic location: 22q12.3.
Variant type: single nucleotide variant.
Coding change: c.4605C>G on transcript NM_001242896.3 (MANE Select); coding-DNA position 4605, C replaced by G.
Protein change: p.Asn1535Lys; replaces asparagine 1535 with lysine.
Molecular consequence: missense variant. On other transcripts: non-coding transcript variant (5).
Genome position (GRCh38, 1-based): chr22:31,906,290, C>G. VCF-style: chr22-31906290-C-G. GRCh37 (hg19) VCF-style: chr22-32302276-C-G.
Other names: c.4578C>G, p.Asn1526Lys (NM_001136029.4); c.4305C>G, p.Asn1435Lys (NM_001242897.2); c.4539C>G, p.Asn1513Lys (NM_001363852.2, NM_001364320.2); c.4371C>G, p.Asn1457Lys (NM_001363854.2, NM_001364319.2); c.4605C>G, p.Asn1535Lys (NM_001364318.2); c.4521C>G, p.Asn1507Lys (NM_001369901.1, NM_001369902.1); c.4512C>G, p.Asn1504Lys (NM_001369903.1, NM_014662.6); short protein forms N1435K, N1507K, N1457K, N1535K, N1504K, N1513K, N1526K.
Identifiers: ClinVar variation 2818569 (VCV002818569.3), dbSNP rs938570297, ClinGen allele CA411292520.

ClinVar aggregate classification (germline): Uncertain significance (1 of 4 stars; one submission).

Conditions:
Familial focal epilepsy with variable foci (FPEVF). Identifiers: Orphanet 98820, MedGen C1858477, MONDO:0020310.

Submission:

Labcorp Genetics (formerly Invitae), Labcorp
Classification: Uncertain significance for Familial focal epilepsy with variable foci. Last evaluated: 2023-11-03. Review status: criteria provided, single submitter. Criteria: Invitae Variant Classification Sherloc (09022015). Collection method: clinical testing. Allele origin: germline.
Comment: This sequence change replaces asparagine, which is neutral and polar, with lysine, which is basic and polar, at codon 1535 of the DEPDC5 protein (p.Asn1535Lys). This variant is not present in population databases (gnomAD no frequency). This variant has not been reported in the literature in individuals affected with DEPDC5-related conditions. Experimental studies and prediction algorithms are not available or were not evaluated, and the functional significance of this variant is currently unknown. In summary, the available evidence is currently insufficient to determine the role of this variant in disease. Therefore, it has been classified as a Variant of Uncertain Significance.